The following is an entry in ClinVar:

ClinVar aggregate classification (germline): Uncertain significance. Review status: criteria provided, multiple submitters, no conflicts (2 of 4 stars). 4 submissions from 4 submitters: Uncertain significance (4). Last evaluated 2025-04-09.

Conditions:
Inborn genetic diseases. Identifiers: MedGen C0950123, MeSH D030342.
Osteogenesis imperfecta type 8 (OI8). Identifiers: MedGen C1970458, MONDO:0012581, OMIM 610915.

Allele frequency attached by ClinVar (database versions not stated): gnomAD exomes below 0.00001 and 0.00001; ExAC 0.00001; gnomAD 0.00004; TOPMed 0.00004; 1000 Genomes Project 30x 0.00016; 1000 Genomes Project 0.00020.
gnomAD v4.1: 11 of 1,606,820 alleles (0.00068%); highest among the groups gnomAD compares: African/African-American, 0.012%; no homozygotes.

Submissions (4):

Ambry Genetics
Classification: Uncertain significance for Inborn genetic diseases. Last evaluated: 2025-04-09. Review status: criteria provided, single submitter. Criteria: Ambry Variant Classification Scheme 2023. Collection method: clinical testing. Allele origin: germline.

Genome-Nilou Lab
Classification: Uncertain significance for Osteogenesis imperfecta type 8. Last evaluated: 2023-04-11. Review status: criteria provided, single submitter. Criteria: ACMG Guidelines, 2015. Collection method: clinical testing. Allele origin: germline. Affected: no.

Labcorp Genetics (formerly Invitae), Labcorp
Classification: Uncertain significance for Osteogenesis imperfecta type 8. Last evaluated: 2022-03-02. Review status: criteria provided, single submitter. Criteria: Invitae Variant Classification Sherloc (09022015). Collection method: clinical testing. Allele origin: germline.
Comment: This sequence change replaces leucine, which is neutral and non-polar, with proline, which is neutral and non-polar, at codon 38 of the P3H1 protein (p.Leu38Pro). This variant is present in population databases (rs528960354, gnomAD 0.01%). This variant has not been reported in the literature in individuals affected with P3H1-related conditions. ClinVar contains an entry for this variant (Variation ID: 1030803). Algorithms developed to predict the effect of missense changes on protein structure and function are either unavailable or do not agree on the potential impact of this missense change (SIFT: "Deleterious"; PolyPhen-2: "Probably Damaging"; Align-GVGD: "Class C0"). In summary, the available evidence is currently insufficient to determine the role of this variant in disease. Therefore, it has been classified as a Variant of Uncertain Significance.

Baylor Genetics
Classification: Uncertain significance for Osteogenesis imperfecta type 8. Last evaluated: 2019-11-25. Review status: criteria provided, single submitter. Criteria: ACMG Guidelines, 2015. Collection method: clinical testing. Allele origin: unknown. Affected: yes.
Comment: This variant was determined to be of uncertain significance according to ACMG Guidelines, 2015 [PMID:25741868].

NM_022356.4(P3H1):c.113T>C (p.Leu38Pro)

Gene: P3H1 (prolyl 3-hydroxylase 1; minus strand). Cytogenetic location: 1p34.2.
Variant type: single nucleotide variant.
Coding change: c.113T>C on transcript NM_022356.4 (MANE Select); coding-DNA position 113, T replaced by C.
Protein change: p.Leu38Pro; replaces leucine 38 with proline.
Molecular consequence: missense variant.
Genome position (GRCh38, 1-based): chr1:42,766,859, A>G on the plus strand (T>C on the coding strand, the complement: P3H1 is on the minus strand). VCF-style: chr1-42766859-A-G. GRCh37 (hg19) VCF-style: chr1-43232530-A-G.
Other names: c.113T>C, p.Leu38Pro (NM_001146289.2, NM_001243246.2); short protein forms L38P.
Identifiers: ClinVar variation 1030803 (VCV001030803.5), dbSNP rs528960354, ClinGen allele CA802231.